The following is an entry in ClinVar:

ClinVar aggregate classification (germline): Uncertain significance (1 of 4 stars; one submission).

Submission:

GeneDx
Classification: Uncertain significance. Last evaluated: 2023-02-17. Review status: criteria provided, single submitter. Criteria: GeneDx Variant Classification Process June 2021. Collection method: clinical testing. Allele origin: germline. Affected: yes.
Comment: In-frame deletion of three amino acids in a non-repeat region; Not observed at significant frequency in large population cohorts (gnomAD); Has not been previously published as pathogenic or benign to our knowledge; In silico analysis supports a deleterious effect on protein structure/function

NM_001852.4(COL9A2):c.108_116del (p.34PPG[2])

Genes: COL9A2 (collagen type IX alpha 2 chain; minus strand), LOC129930261 (ATAC-STARR-seq lymphoblastoid silent region 724; plus strand). Cytogenetic location: 1p34.2.
Variant type: Deletion.
Coding change: c.108_116del on transcript NM_001852.4 (MANE Select); coding-DNA positions 108 to 116, 9 bases deleted (TCCCCCGGG; older notation c.108_116delTCCCCCGGG).
Protein change: p.34PPG[2].
Molecular consequence: inframe deletion.
Genome position (GRCh38, 1-based): chr1:40,315,624-40,315,632, CCCGGGGGA deleted on the plus strand (TCCCCCGGG on the coding strand, the reverse complement: COL9A2 is on the minus strand); deleting any 9 consecutive bases within chr1:40,315,624-40,315,640 gives the same sequence; the c. name uses the placement nearest the transcript's 3' end. VCF-style (leftmost placement, unchanged base first): chr1-40315623-TCCCGGGGGA-T. GRCh37 (hg19) VCF-style: chr1-40781295-TCCCGGGGGA-T.
Identifiers: ClinVar variation 2576897 (VCV002576897.1), dbSNP rs1557806907, ClinGen allele CA1164341213.